The following is an entry in ClinVar:

ClinVar aggregate classification (germline): Conflicting classifications of pathogenicity. Review status: criteria provided, conflicting classifications (1 of 4 stars). 3 submissions from 3 submitters: Uncertain significance (1); Likely benign (1). 1 of the submissions does not count toward it. Last evaluated 2024-09-25.

Conditions:
Inborn genetic diseases. Identifiers: MedGen C0950123, MeSH D030342.
FGF13-related disorder. Also called: FGF13-related condition.

Allele frequency attached by ClinVar (database versions not stated): ExAC 0.00007; TOPMed 0.00024; gnomAD 0.00025; ESP Exome Variant Server 0.00028.
gnomAD v4.1: 50 of 1,209,212 alleles (0.0041%); highest among the groups gnomAD compares: African/African-American, 0.07%; no homozygotes.

Submissions (3):

Ambry Genetics
Classification: Uncertain significance for Inborn genetic diseases. Last evaluated: 2024-09-25. Review status: criteria provided, single submitter. Criteria: Ambry Variant Classification Scheme 2023. Collection method: clinical testing. Allele origin: germline.

CeGaT Center for Human Genetics Tuebingen
Classification: Likely benign. Last evaluated: 2022-12-01. Review status: criteria provided, single submitter. Criteria: CeGaT Center For Human Genetics Tuebingen Variant Classification Criteria Version 2. Collection method: clinical testing. Allele origin: germline. Affected: yes. Observed: 1 variant allele.
Comment: FGF13: BS2

PreventionGenetics, part of Exact Sciences
Classification: Likely benign for FGF13-related condition. Last evaluated: 2023-03-20. Review status: no assertion criteria provided. Collection method: clinical testing. Allele origin: germline. Not counted in ClinVar's aggregate classification.
Comment: This variant is classified as likely benign based on ACMG/AMP sequence variant interpretation guidelines (Richards et al. 2015 PMID: 25741868, with internal and published modifications).

NM_004114.5(FGF13):c.589A>C (p.Lys197Gln)

Gene: FGF13 (fibroblast growth factor 13; minus strand). Cytogenetic location: Xq26.3.
Variant type: single nucleotide variant.
Coding change: c.589A>C on transcript NM_004114.5 (MANE Select); coding-DNA position 589, A replaced by C.
Protein change: p.Lys197Gln; replaces lysine 197 with glutamine.
Molecular consequence: missense variant.
Genome position (GRCh38, 1-based): chrX:138,635,469, T>G on the plus strand (A>C on the coding strand, the complement: FGF13 is on the minus strand). VCF-style: chrX-138635469-T-G. GRCh37 (hg19) VCF-style: chrX-137717630-T-G.
Other names: c.619A>C (NM_001139500.1); c.451A>C, p.Lys151Gln (NM_001139498.2); c.619A>C, p.Lys207Gln (NM_001139500.2); c.532A>C, p.Lys178Gln (NM_001139501.2, NM_001139502.2); c.430A>C, p.Lys144Gln (NM_033642.3); short protein forms K144Q, K151Q, K178Q, K197Q, K207Q.
Identifiers: ClinVar variation 2661530 (VCV002661530.26), dbSNP rs17510270, ClinGen allele CA10529460.
Genomic context (GRCh38, chrX:138,635,469, plus strand): 5'-AAGTATATTTAGTAGCATAATCCATAGTTCCCACAATATCAAATGTACCTTTCAGTGGTT[T>G]AGGCAGAAAATGAGCTGCAGGCTTGTTCTTCTTCACATGGTTGCCTTTCATGATCTCTCC-3'
Protein context (NP_004105.1, residues 187-207): KNKPAAHFLP[Lys197Gln]PLKVAMYKEP